The following is an entry in ClinVar:

NM_000059.4(BRCA2):c.317-2367G>A

Gene: BRCA2 (BRCA2 DNA repair associated; plus strand). Cytogenetic location: 13q13.1.
Variant type: single nucleotide variant.
Coding change: c.317-2367G>A on transcript NM_000059.4 (MANE Select); 2367 bases into the intron before coding-DNA position 317, G replaced by A.
Molecular consequence: intron variant.
Genome position (GRCh38, 1-based): chr13:32,322,709, G>A. VCF-style: chr13-32322709-G-A. GRCh37 (hg19) VCF-style: chr13-32896846-G-A.
Other names: IVS 3-2367G>A.
Identifiers: ClinVar variation 209635 (VCV000209635.1), dbSNP rs206070, ClinGen allele CA276604.
Genomic context (GRCh38, chr13:32,322,709, plus strand): 5'-TCATGGCCATCACGAACATGTCACAGTGCTGCAGAGATTTTGTTTATGGCCAGTTTTGGG[G>A]CCAGTTCCCAACAGCAATATGTGTTTAAGGTTCTTCCATGTCTTTTAATGATTTCATGCT-3'

ClinVar aggregate classification (germline): Benign (3 of 4 stars; one submission).

Conditions:
Breast-ovarian cancer, familial, susceptibility to, 2 (BROVCA2). Also called: BRCA2 Hereditary Breast and Ovarian Cancer. Identifiers: Orphanet 145, MedGen C2675520, MONDO:0012933, OMIM 612555. Disease mechanism: loss of function.

Allele frequency attached by ClinVar (database versions not stated): 1000 Genomes Project 30x 0.10696; 1000 Genomes Project 0.10723; TOPMed 0.12194; gnomAD 0.12941 and 0.12982.
gnomAD v4.1: 19,854 of 152,188 alleles (13%); highest among the groups gnomAD compares: Middle Eastern, 21%; 1,644 homozygotes.

Submission:

Evidence-based Network for the Interpretation of Germline Mutant Alleles (ENIGMA)
Classification: Benign for Breast-ovarian cancer, familial 2. Last evaluated: 2015-01-12. Review status: reviewed by expert panel. Criteria: ENIGMA BRCA1/2 Classification Criteria (2015). Collection method: curation. Allele origin: germline.
Comment: Class 1 not pathogenic based on frequency >1% in an outbred sampleset. Frequency 0.1503 (Asian), 0.01016 (African), 0.1781 (European), derived from 1000 genomes (2012-04-30).